The following is an entry in ClinVar:

NM_001100.4(ACTA1):c.324C>A (p.Thr108=)

Gene: ACTA1 (actin alpha 1, skeletal muscle; minus strand). Cytogenetic location: 1q42.13.
Variant type: single nucleotide variant.
Coding change: c.324C>A on transcript NM_001100.4 (MANE Select); coding-DNA position 324, C replaced by A.
Protein change: p.Thr108=; no amino-acid change (threonine 108 retained).
Molecular consequence: synonymous variant.
Genome position (GRCh38, 1-based): chr1:229,432,686, G>T on the plus strand (C>A on the coding strand, the complement: ACTA1 is on the minus strand). VCF-style: chr1-229432686-G-T. GRCh37 (hg19) VCF-style: chr1-229568433-G-T.
Identifiers: ClinVar variation 705421 (VCV000705421.36), dbSNP rs41271479, ClinGen allele CA1442894.

ClinVar aggregate classification (germline): Likely benign. Review status: criteria provided, multiple submitters, no conflicts (2 of 4 stars). 4 submissions from 4 submitters: Likely benign (3). 1 of the submissions does not count toward it. Last evaluated 2026-01-01.

Conditions:
ACTA1-related disorder. Also called: ACTA1-related condition.
Actin accumulation myopathy (CMYO2A). Also called: CONGENITAL MYOPATHY 2A, TYPICAL, AUTOSOMAL DOMINANT; Nemaline myopathy type 3; Myopathy, actin, congenital, with excess of thin myofilaments; Myopathy, actin, congenital, with cores; Nemaline myopathy 3, with intranuclear rods. Identifiers: Orphanet 98904, MedGen C3711389, MONDO:0008070, OMIM 161800.

Allele frequency attached by ClinVar (database versions not stated): TOPMed 0.00007; ExAC 0.00010; gnomAD exomes 0.00010; gnomAD 0.00011; ESP Exome Variant Server 0.00015; 1000 Genomes Project 30x 0.00016.

Submissions (4):

Labcorp Genetics (formerly Invitae), Labcorp
Classification: Likely benign for Actin accumulation myopathy. Last evaluated: 2026-01-01. Review status: criteria provided, single submitter. Criteria: Invitae Variant Classification Sherloc (09022015). Collection method: clinical testing. Allele origin: germline.

CeGaT Center for Human Genetics Tuebingen
Classification: Likely benign. Last evaluated: 2025-11-01. Review status: criteria provided, single submitter. Criteria: CeGaT Center For Human Genetics Tuebingen Variant Classification Criteria Version 2. Collection method: clinical testing. Allele origin: germline. Affected: yes. Observed: 3 variant alleles.
Comment: ACTA1: BP4, BP7

Blueprint Genetics
Classification: Likely benign. Last evaluated: 2024-11-20. Review status: criteria provided, single submitter. Criteria: ACMG Guidelines, 2015. Collection method: clinical testing. Allele origin: germline.

PreventionGenetics, part of Exact Sciences
Classification: Uncertain significance for ACTA1-related condition. Last evaluated: 2024-09-10. Review status: no assertion criteria provided. Collection method: clinical testing. Allele origin: germline. Not counted in ClinVar's aggregate classification.
Comment: The ACTA1 c.324C>A variant is not predicted to result in an amino acid change (p.=). To our knowledge, this variant has not been reported in the literature. This variant is reported in 0.022% of alleles in individuals of European (Non-Finnish) descent in gnomAD. At this time, the clinical significance of this variant is uncertain due to the absence of conclusive functional and genetic evidence.